The following is an entry in ClinVar:

ClinVar aggregate classification (germline): Conflicting classifications of pathogenicity. Review status: criteria provided, conflicting classifications (1 of 4 stars). 5 submissions from 5 submitters: Uncertain significance (3); Likely benign (2). Last evaluated 2025-08-18.

Conditions:
Thyrotoxic periodic paralysis, susceptibility to, 1 (TTPP1). Identifiers: Orphanet 79102, MedGen C2749982, MONDO:0008570, OMIM 188580.
Hypokalemic periodic paralysis, type 1. Also called: HypoPP; Hypokalemic Periodic Paralysis Type 1 (AD). Identifiers: Orphanet 681, MedGen C3714580, MONDO:0042979, OMIM 170400.
Congenital myopathy 18. Also called: Myopathy, congenital, due to dihydropyridine receptor defect; DIHYDROPYRIDINE RECEPTOR CONGENITAL MYOPATHY; DHPR CONGENITAL MYOPATHY. Identifiers: MedGen C5830283, MONDO:0859514, OMIM 620246.
Malignant hyperthermia, susceptibility to, 5 (MHS5). Also called: CACNA1S-Related Malignant Hyperthermia Susceptibility. Identifiers: Orphanet 423, MedGen C1866077, MONDO:0011163, OMIM 601887.

Allele frequency attached by ClinVar (database versions not stated): TOPMed 0.00002; gnomAD 0.00006; ESP Exome Variant Server 0.00008.

Submissions (5):

Labcorp Genetics (formerly Invitae), Labcorp
Classification: Uncertain significance for Hypokalemic periodic paralysis, type 1; Malignant hyperthermia, susceptibility to, 5. Last evaluated: 2025-08-18. Review status: criteria provided, single submitter. Criteria: Invitae Variant Classification Sherloc (09022015). Collection method: clinical testing. Allele origin: germline.
Comment: This sequence change replaces asparagine, which is neutral and polar, with lysine, which is basic and polar, at codon 1850 of the CACNA1S protein (p.Asn1850Lys). This variant is present in population databases (rs141556780, gnomAD 0.04%). This missense change has been observed in individual(s) with malignant hyperthermia susceptibility (PMID: 28259615). ClinVar contains an entry for this variant (Variation ID: 474005). Invitae Evidence Modeling of protein sequence and biophysical properties (such as structural, functional, and spatial information, amino acid conservation, physicochemical variation, residue mobility, and thermodynamic stability) indicates that this missense variant is not expected to disrupt CACNA1S protein function with a negative predictive value of 95%. In summary, the available evidence is currently insufficient to determine the role of this variant in disease. Therefore, it has been classified as a Variant of Uncertain Significance.

CeGaT Center for Human Genetics Tuebingen
Classification: Uncertain significance. Last evaluated: 2025-07-01. Review status: criteria provided, single submitter. Criteria: CeGaT Center For Human Genetics Tuebingen Variant Classification Criteria Version 2. Collection method: clinical testing. Allele origin: germline. Affected: yes. Observed: 1 variant allele.
Comment: CACNA1S: PM2

Women's Health and Genetics/Laboratory Corporation of America, LabCorp
Classification: Likely benign. Last evaluated: 2024-04-03. Review status: criteria provided, single submitter. Criteria: LabCorp Variant Classification Summary - May 2015. Collection method: clinical testing. Allele origin: germline.
Comment: Variant summary: CACNA1S c.5550C>A (p.Asn1850Lys) results in a non-conservative amino acid change in the encoded protein sequence. Four of five in-silico tools predict a benign effect of the variant on protein function. The variant allele was found at a frequency of 7.2e-05 in 251012 control chromosomes. The observed variant frequency is approximately 57- fold of the estimated maximal expected allele frequency for a pathogenic variant in CACNA1S causing Hypokalemic Periodic Paralysis phenotype (1.3e-06), strongly suggesting that the variant is benign. c.5550C>A has been reported in the literature in individuals affected with unknown conditions (Levano_2017). These report(s) do not provide unequivocal conclusions about association of the variant with Hypokalemic Periodic Paralysis. To our knowledge, no experimental evidence demonstrating an impact on protein function has been reported.The following publication have been ascertained in the context of this evaluation (PMID: 28259615). ClinVar contains an entry for this variant (Variation ID: 474005). Based on the evidence outlined above, the variant was classified as likely benign.

Fulgent Genetics
Classification: Uncertain significance for Hypokalemic periodic paralysis, type 1; Thyrotoxic periodic paralysis, susceptibility to, 1; Malignant hyperthermia, susceptibility to, 5; Congenital myopathy 18. Last evaluated: 2024-01-25. Review status: criteria provided, single submitter. Criteria: ACMG Guidelines, 2015. Collection method: clinical testing. Allele origin: germline.

Color Diagnostics, LLC DBA Color Health
Classification: Likely benign for Malignant hyperthermia, susceptibility to, 5. Last evaluated: 2022-11-14. Review status: criteria provided, single submitter. Criteria: ACMG Guidelines, 2015. Collection method: clinical testing. Allele origin: germline.

Literature cited by the submitters: PubMed 28259615 (cited by Labcorp Genetics (formerly Invitae), Labcorp and Women's Health and Genetics/Laboratory Corporation of America, LabCorp).

NM_000069.3(CACNA1S):c.5550C>A (p.Asn1850Lys)

Gene: CACNA1S (calcium voltage-gated channel subunit alpha1 S; minus strand). Cytogenetic location: 1q32.1.
Variant type: single nucleotide variant.
Coding change: c.5550C>A on transcript NM_000069.3 (MANE Select); coding-DNA position 5550, C replaced by A.
Protein change: p.Asn1850Lys; replaces asparagine 1850 with lysine.
Molecular consequence: missense variant.
Genome position (GRCh38, 1-based): chr1:201,039,903, G>T on the plus strand (C>A on the coding strand, the complement: CACNA1S is on the minus strand). VCF-style: chr1-201039903-G-T. GRCh37 (hg19) VCF-style: chr1-201009031-G-T.
Other names: short protein forms N1850K.
Identifiers: ClinVar variation 474005 (VCV000474005.22), dbSNP rs141556780, ClinGen allele CA083898.